The following is an entry in ClinVar:

ClinVar aggregate classification (germline): Likely pathogenic. Review status: criteria provided, multiple submitters, no conflicts (2 of 4 stars). 2 submissions from 2 submitters: Likely pathogenic (2). Last evaluated 2025-05-15.

Conditions:
Biotinidase deficiency. Also called: BTD deficiency; Late-onset biotin-responsive multiple carboxylase deficiency; Biotin deficiency. Identifiers: Orphanet 79241, MedGen C0220754, MONDO:0009665, OMIM 253260.

Allele frequency attached by ClinVar (database versions not stated): gnomAD exomes below 0.00001 and 0.00001; ExAC 0.00002.
gnomAD v4.1: 1 of 1,614,210 alleles (0.000062%); highest among the groups gnomAD compares: Non-Finnish European, 0.000085%; no homozygotes.

Submissions (2):

Myriad Genetics, Inc.
Classification: Likely pathogenic for Biotinidase deficiency. Last evaluated: 2025-05-15. Review status: criteria provided, single submitter. Criteria: Myriad Autosomal Dominant, Autosomal Recessive and X-Linked Classification Criteria (2023). Collection method: clinical testing. Allele origin: unknown.
Comment: NM_000060.2(BTD):c.1214T>C(L405P) is a missense variant classified as likely pathogenic in the context of biotinidase deficiency. L405P has been observed in cases with relevant disease (PMID: 20224900, 37443404, 35627187). Relevant functional assessments of this variant are not available in the literature. L405P has been observed in referenced population frequency databases. In summary, NM_000060.2(BTD):c.1214T>C(L405P) is a missense variant that has internal structural support for pathogenicity and has been observed more frequently in cases with the relevant disease than in healthy populations. Please note: this variant was assessed in the context of healthy population screening.

Labcorp Genetics (formerly Invitae), Labcorp
Classification: Likely pathogenic for Biotinidase deficiency. Last evaluated: 2023-03-31. Review status: criteria provided, single submitter. Criteria: Invitae Variant Classification Sherloc (09022015). Collection method: clinical testing. Allele origin: germline.
Comment: Advanced modeling of protein sequence and biophysical properties (such as structural, functional, and spatial information, amino acid conservation, physicochemical variation, residue mobility, and thermodynamic stability) performed at Invitae indicates that this missense variant is expected to disrupt BTD protein function. In summary, the currently available evidence indicates that the variant is pathogenic, but additional data are needed to prove that conclusively. Therefore, this variant has been classified as Likely Pathogenic. ClinVar contains an entry for this variant (Variation ID: 2203318). This sequence change replaces leucine, which is neutral and non-polar, with proline, which is neutral and non-polar, at codon 405 of the BTD protein (p.Leu405Pro). This variant is present in population databases (rs397514406, gnomAD 0.002%). This missense change has been observed in individual(s) with biotinidase deficiency (PMID: 20224900). In at least one individual the data is consistent with being in trans (on the opposite chromosome) from a pathogenic variant.

Literature cited by the submitters: PubMed 20224900 (cited by Myriad Genetics, Inc. and Labcorp Genetics (formerly Invitae), Labcorp); PubMed 35627187 (cited by Myriad Genetics, Inc.); PubMed 37443404 (cited by Myriad Genetics, Inc.).

NM_001370658.1(BTD):c.1154T>C (p.Leu385Pro)

Gene: BTD (biotinidase; plus strand). Cytogenetic location: 3p25.1.
Variant type: single nucleotide variant.
Coding change: c.1154T>C on transcript NM_001370658.1 (MANE Select); coding-DNA position 1154, T replaced by C.
Protein change: p.Leu385Pro; replaces leucine 385 with proline.
Molecular consequence: missense variant. On other transcripts: intron variant (2).
Genome position (GRCh38, 1-based): chr3:15,645,070, T>C. VCF-style: chr3-15645070-T-C. GRCh37 (hg19) VCF-style: chr3-15686577-T-C.
Other names: c.1154T>C, p.Leu385Pro (NM_001407364.1, NM_001407365.1, NM_001407366.1 and 16 more transcripts); c.1015+139T>C (NM_001370752.1); c.399+3013T>C (NM_001370753.1); c.1214T>C, p.Leu405Pro (NM_000060.4); short protein forms L385P.
Identifiers: ClinVar variation 2203318 (VCV002203318.5), dbSNP rs397514406, ClinGen allele CA278302.